The following is an entry in ClinVar:

NM_003238.6(TGFB2):c.764G>A (p.Gly255Asp)

Gene: TGFB2 (transforming growth factor beta 2; plus strand). Cytogenetic location: 1q41.
Variant type: single nucleotide variant.
Coding change: c.764G>A on transcript NM_003238.6 (MANE Select); coding-DNA position 764, G replaced by A.
Protein change: p.Gly255Asp; replaces glycine 255 with aspartic acid.
Molecular consequence: missense variant.
Genome position (GRCh38, 1-based): chr1:218,435,979, G>A. VCF-style: chr1-218435979-G-A. GRCh37 (hg19) VCF-style: chr1-218609321-G-A.
Other names: c.848G>A, p.Gly283Asp (NM_001135599.4); short protein forms G255D, G283D.
Identifiers: ClinVar variation 520199 (VCV000520199.14), dbSNP rs781514831, ClinGen allele CA1398608.

ClinVar aggregate classification (germline): Uncertain significance. Review status: criteria provided, multiple submitters, no conflicts (2 of 4 stars). 3 submissions from 3 submitters: Uncertain significance (3). Last evaluated 2024-10-19.

Conditions:
Loeys-Dietz syndrome 4 (LDS4). Also called: ANEURYSM, AORTIC AND CEREBRAL, WITH ARTERIAL TORTUOSITY AND SKELETAL MANIFESTATIONS; TGFB2-Related Loeys-Dietz Syndrome. Identifiers: MedGen C3553762, MONDO:0013897, OMIM 614816.
Familial thoracic aortic aneurysm and aortic dissection (TAAD). Also called: Thoracic aortic aneurysms and dissections. Identifiers: Orphanet 91387, MedGen C4707243, MONDO:0019625.

Allele frequency attached by ClinVar (database versions not stated): gnomAD exomes below 0.00001 and 0.00002; ExAC 0.00001; gnomAD 0.00001.
gnomAD v4.1: 25 of 1,603,626 alleles (0.0016%); highest among the groups gnomAD compares: Non-Finnish European, 0.002%; no homozygotes.

Submissions (3):

Labcorp Genetics (formerly Invitae), Labcorp
Classification: Uncertain significance for Loeys-Dietz syndrome 4. Last evaluated: 2024-10-19. Review status: criteria provided, single submitter. Criteria: Invitae Variant Classification Sherloc (09022015). Collection method: clinical testing. Allele origin: germline.
Comment: This sequence change replaces glycine, which is neutral and non-polar, with aspartic acid, which is acidic and polar, at codon 255 of the TGFB2 protein (p.Gly255Asp). This variant is present in population databases (rs781514831, gnomAD 0.01%). This variant has not been reported in the literature in individuals affected with TGFB2-related conditions. ClinVar contains an entry for this variant (Variation ID: 520199). Invitae Evidence Modeling of protein sequence and biophysical properties (such as structural, functional, and spatial information, amino acid conservation, physicochemical variation, residue mobility, and thermodynamic stability) indicates that this missense variant is not expected to disrupt TGFB2 protein function with a negative predictive value of 80%. In summary, the available evidence is currently insufficient to determine the role of this variant in disease. Therefore, it has been classified as a Variant of Uncertain Significance.

Blueprint Genetics
Classification: Uncertain significance. Last evaluated: 2024-09-06. Review status: criteria provided, single submitter. Criteria: ACMG Guidelines, 2015. Collection method: clinical testing. Allele origin: germline.

Ambry Genetics
Classification: Uncertain significance for Familial thoracic aortic aneurysm and aortic dissection. Last evaluated: 2017-03-10. Review status: criteria provided, single submitter. Criteria: Ambry Variant Classification Scheme 2023. Collection method: clinical testing. Allele origin: germline.
Comment: The p.G255D variant (also known as c.764G>A), located in coding exon 5 of the TGFB2 gene, results from a G to A substitution at nucleotide position 764. The glycine at codon 255 is replaced by aspartic acid, an amino acid with similar properties. This amino acid position is not well conserved in available vertebrate species, and aspartic acid is the reference amino acid in other vertebrate species. In addition, this alteration is predicted to be tolerated by in silico analysis. Since supporting evidence is limited at this time, the clinical significance of this alteration remains unclear.